The following is an entry in ClinVar:

NM_000257.4(MYH7):c.923A>G (p.Tyr308Cys)

Gene: MYH7 (myosin heavy chain 7; minus strand). Cytogenetic location: 14q11.2.
Variant type: single nucleotide variant.
Coding change: c.923A>G on transcript NM_000257.4 (MANE Select); coding-DNA position 923, A replaced by G.
Protein change: p.Tyr308Cys; replaces tyrosine 308 with cysteine.
Molecular consequence: missense variant.
Genome position (GRCh38, 1-based): chr14:23,430,636, T>C on the plus strand (A>G on the coding strand, the complement: MYH7 is on the minus strand). VCF-style: chr14-23430636-T-C. GRCh37 (hg19) VCF-style: chr14-23899845-T-C.
Other names: p.Tyr308Cys; c.923A>G, p.Tyr308Cys (NM_001407004.1); short protein forms Y308C.
Identifiers: ClinVar variation 3381107 (VCV003381107.3).
Genomic context (GRCh38, chr14:23,430,636, plus strand): 5'-TCCTCAGCGTCATCAATGGAGGCCACGGTGGTCTCTCCTTGGGAGATGAATGCATAATCG[T>C]AGGGGTTGTTGGTGATCAGCAGCATGTCTAGGGGAAAAAACATGGTTAGGGTGGGACACA-3'
Protein context (NP_000248.2, residues 298-318): LDMLLITNNP[Tyr308Cys]DYAFISQGET

ClinVar aggregate classification (germline): Conflicting classifications of pathogenicity. Review status: criteria provided, conflicting classifications (1 of 4 stars). 2 submissions from 2 submitters: Likely pathogenic (1); Uncertain significance (1). Last evaluated 2024-08-28.

Conditions:
Hypertrophic cardiomyopathy. Also called: HYPERTROPHIC MYOCARDIOPATHY. Identifiers: Orphanet 217569, MedGen C0007194, MeSH D002312, MONDO:0005045, HP:0001639.

Submissions (2):

Labcorp Genetics (formerly Invitae), Labcorp
Classification: Uncertain significance for Hypertrophic cardiomyopathy. Last evaluated: 2024-08-28. Review status: criteria provided, single submitter. Criteria: Invitae Variant Classification Sherloc (09022015). Collection method: clinical testing. Allele origin: germline.
Comment: This sequence change replaces tyrosine, which is neutral and polar, with cysteine, which is neutral and slightly polar, at codon 308 of the MYH7 protein (p.Tyr308Cys). This variant is not present in population databases (gnomAD no frequency). This missense change has been observed in individual(s) with hypertrophic cardiomyopathy (PMID: 23283745, 24111713, 35653365). Invitae Evidence Modeling of protein sequence and biophysical properties (such as structural, functional, and spatial information, amino acid conservation, physicochemical variation, residue mobility, and thermodynamic stability) indicates that this missense variant is expected to disrupt MYH7 protein function with a positive predictive value of 95%. In summary, the available evidence is currently insufficient to determine the role of this variant in disease. Therefore, it has been classified as a Variant of Uncertain Significance.

Mayo Clinic Laboratories, Mayo Clinic
Classification: Likely pathogenic. Last evaluated: 2024-02-14. Review status: criteria provided, single submitter. Criteria: ACMG Guidelines, 2015. Collection method: clinical testing. Allele origin: germline. Observed: 1 variant allele.
Comment: PP3, PM1, PM2, PS4_moderate

Literature cited by the submitters: PubMed 23283745 (cited by Labcorp Genetics (formerly Invitae), Labcorp); PubMed 24111713 (cited by Labcorp Genetics (formerly Invitae), Labcorp and Mayo Clinic Laboratories, Mayo Clinic); PubMed 35653365 (cited by Labcorp Genetics (formerly Invitae), Labcorp and Mayo Clinic Laboratories, Mayo Clinic); PubMed 25132132 (cited by Mayo Clinic Laboratories, Mayo Clinic).